The following is an entry in ClinVar:

ClinVar aggregate classification (germline): Uncertain significance (1 of 4 stars; one submission).

Submission:

Labcorp Genetics (formerly Invitae), Labcorp
Classification: Uncertain significance. Last evaluated: 2023-01-17. Review status: criteria provided, single submitter. Criteria: Invitae Variant Classification Sherloc (09022015). Collection method: clinical testing. Allele origin: germline.
Comment: In summary, the available evidence is currently insufficient to determine the role of this variant in disease. Therefore, it has been classified as a Variant of Uncertain Significance. Advanced modeling of protein sequence and biophysical properties (such as structural, functional, and spatial information, amino acid conservation, physicochemical variation, residue mobility, and thermodynamic stability) performed at Invitae indicates that this missense variant is not expected to disrupt FBLN5 protein function. This variant has not been reported in the literature in individuals affected with FBLN5-related conditions. This variant is not present in population databases (gnomAD no frequency). This sequence change replaces histidine, which is basic and polar, with arginine, which is basic and polar, at codon 260 of the FBLN5 protein (p.His260Arg).

NM_006329.4(FBLN5):c.779A>G (p.His260Arg)

Gene: FBLN5 (fibulin 5; minus strand). Cytogenetic location: 14q32.12.
Variant type: single nucleotide variant.
Coding change: c.779A>G on transcript NM_006329.4 (MANE Select); coding-DNA position 779, A replaced by G.
Protein change: p.His260Arg; replaces histidine 260 with arginine.
Molecular consequence: missense variant.
Genome position (GRCh38, 1-based): chr14:91,883,037, T>C on the plus strand (A>G on the coding strand, the complement: FBLN5 is on the minus strand). VCF-style: chr14-91883037-T-C. GRCh37 (hg19) VCF-style: chr14-92349381-T-C.
Other names: c.902A>G, p.His301Arg (NM_001384158.1); c.830A>G, p.His277Arg (NM_001384159.1); c.779A>G, p.His260Arg (NM_001384160.1); c.611A>G, p.His204Arg (NM_001384161.1, NM_001384162.1); short protein forms H301R, H260R, H277R, H204R.
Identifiers: ClinVar variation 2829357 (VCV002829357.3), dbSNP rs2542770249, ClinGen allele CA390642407.